The following is an entry in ClinVar:

NM_003742.4(ABCB11):c.77-2A>G

Gene: ABCB11 (ATP binding cassette subfamily B member 11; minus strand). Cytogenetic location: 2q31.1.
Variant type: single nucleotide variant.
Coding change: c.77-2A>G on transcript NM_003742.4 (MANE Select); the canonical splice acceptor site of the intron before coding-DNA position 77, A replaced by G.
Molecular consequence: splice acceptor variant.
Genome position (GRCh38, 1-based): chr2:169,016,801, T>C on the plus strand (A>G on the coding strand, the complement: ABCB11 is on the minus strand). VCF-style: chr2-169016801-T-C. GRCh37 (hg19) VCF-style: chr2-169873311-T-C.
Identifiers: ClinVar variation 1998337 (VCV001998337.6), dbSNP rs2545491426, ClinGen allele CA349107073.

ClinVar aggregate classification (germline): Likely pathogenic. Review status: criteria provided, multiple submitters, no conflicts (2 of 4 stars). 3 submissions from 3 submitters: Likely pathogenic (3). Last evaluated 2025-02-04.

Conditions:
Progressive familial intrahepatic cholestasis type 2. Identifiers: Orphanet 79304, MedGen C3489789, MONDO:0011156, OMIM 601847.

Allele frequency attached by ClinVar (database versions not stated): gnomAD exomes below 0.00001.
gnomAD v4.1: 1 of 1,590,554 alleles (0.000063%); highest among the groups gnomAD compares: East Asian, 0.0022%; no homozygotes.

Submissions (3):

Broad Center for Mendelian Genomics, Broad Institute of MIT and Harvard
Classification: Likely pathogenic for Progressive familial intrahepatic cholestasis type 2. Last evaluated: 2025-02-04. Review status: criteria provided, single submitter. Criteria: ACMG Guidelines, 2015. Collection method: curation. Allele origin: germline. Inheritance: Autosomal recessive inheritance.
Comment: The c.77-2A>G variant in ABCB11 has not been previously reported in the literature in individuals with BSEP deficiency, but has been identified in 0.002% (1/44538) of East Asian chromosomes by the Genome Aggregation Database (gnomAD). Although this variant has been seen in the general population in a heterozygous state, its frequency is low enough to be consistent with a recessive carrier frequency. This variant has also been reported in ClinVar (Variation ID: 1998337) and has been interpreted as likely pathogenic by Invitae. This variant is located in the 5' splice region. Computational tools predict a splicing impact, though this information is not predictive enough to determine pathogenicity. Loss of function of the ABCB11 gene is an established disease mechanism in autosomal recessive BSEP deficiency. In summary, although additional studies are required to fully establish its clinical significance, this variant is likely pathogenic for BSEP deficiency. ACMG/AMP Criteria applied: PVS1, PM2_supporting (Richards 2015).

Natera, Inc.
Classification: Likely pathogenic for Progressive familial intrahepatic cholestasis type 2. Last evaluated: 2024-12-31. Review status: criteria provided, single submitter. Criteria: Natera Variant Classification Schema (03/2026). Collection method: clinical testing. Allele origin: germline.
Comment: The c.77-2A>G variant in ABCB11 is a canonical splice acceptor site variant predicted to affect pre-mRNA splicing, which may result in an abnormal transcript and altered protein product. This variant is expected to result in nonsense mediated decay, truncation, or a dysfunctional protein product. This variant is rare in the general population with a frequency below the threshold expected for the associated phenotype(s). Given the available evidence, this variant is classified as Likely Pathogenic.

Labcorp Genetics (formerly Invitae), Labcorp
Classification: Likely pathogenic. Last evaluated: 2022-07-12. Review status: criteria provided, single submitter. Criteria: Invitae Variant Classification Sherloc (09022015). Collection method: clinical testing. Allele origin: germline.
Comment: This variant is not present in population databases (gnomAD no frequency). In summary, the currently available evidence indicates that the variant is pathogenic, but additional data are needed to prove that conclusively. Therefore, this variant has been classified as Likely Pathogenic. Algorithms developed to predict the effect of sequence changes on RNA splicing suggest that this variant may disrupt the consensus splice site. This variant has not been reported in the literature in individuals affected with ABCB11-related conditions. This sequence change affects an acceptor splice site in intron 2 of the ABCB11 gene. It is expected to disrupt RNA splicing. Variants that disrupt the donor or acceptor splice site typically lead to a loss of protein function (PMID: 16199547), and loss-of-function variants in ABCB11 are known to be pathogenic (PMID: 18395098, 20232290).

Literature cited by the submitters: PubMed 16199547 (cited by Labcorp Genetics (formerly Invitae), Labcorp); PubMed 18395098 (cited by Labcorp Genetics (formerly Invitae), Labcorp); PubMed 20232290 (cited by Labcorp Genetics (formerly Invitae), Labcorp).